The following is an entry in ClinVar:

NM_000701.8(ATP1A1):c.221G>C (p.Arg74Pro)

Gene: ATP1A1 (ATPase Na+/K+ transporting subunit alpha 1; plus strand). Cytogenetic location: 1p13.1.
Variant type: single nucleotide variant.
Coding change: c.221G>C on transcript NM_000701.8 (MANE Select); coding-DNA position 221, G replaced by C.
Protein change: p.Arg74Pro; replaces arginine 74 with proline.
Molecular consequence: missense variant.
Genome position (GRCh38, 1-based): chr1:116,387,325, G>C. VCF-style: chr1-116387325-G-C. GRCh37 (hg19) VCF-style: chr1-116929947-G-C.
Other names: c.221G>C, p.Arg74Pro (NM_001160233.2); c.128G>C, p.Arg43Pro (NM_001160234.2); short protein forms R43P, R74P.
Identifiers: ClinVar variation 3390124 (VCV003390124.14).

ClinVar aggregate classification (germline): Uncertain significance (1 of 4 stars; one submission).

Submission:

CeGaT Center for Human Genetics Tuebingen
Classification: Uncertain significance. Last evaluated: 2024-11-01. Review status: criteria provided, single submitter. Criteria: CeGaT Center For Human Genetics Tuebingen Variant Classification Criteria Version 2. Collection method: clinical testing. Allele origin: germline. Affected: yes. Observed: 1 variant allele.
Comment: ATP1A1: PM2, PP2